The following is an entry in ClinVar:

ClinVar aggregate classification (germline): Pathogenic (1 of 4 stars; one submission).

Submission:

Labcorp Genetics (formerly Invitae), Labcorp
Classification: Pathogenic. Last evaluated: 2022-08-09. Review status: criteria provided, single submitter. Criteria: Invitae Variant Classification Sherloc (09022015). Collection method: clinical testing. Allele origin: germline.
Comment: This variant is a gross deletion of the genomic region encompassing exon(s) 30-31 of the EYS gene. This deletion is out-of-frame, and is expected to create a premature termination codon and result in an absent or disrupted protein product. Loss-of-function variants in EYS are known to be pathogenic (PMID: 18836446, 20333770). This variant has not been reported in the literature in individuals affected with EYS-related conditions. For these reasons, this variant has been classified as Pathogenic.

Literature cited by the submitters: PubMed 18836446; PubMed 20333770.

NC_000006.11:g.(?_64940475)_(65016985_?)del

Gene: EYS (eyes shut homolog; minus strand). Cytogenetic location: 6q12.
Variant type: Deletion.
Identifiers: ClinVar variation 2423842 (VCV002423842.3).